The following is an entry in ClinVar:

NM_024894.4(NOL10):c.1797A>G (p.Glu599=)

Gene: NOL10 (nucleolar protein 10; minus strand). Cytogenetic location: 2p25.1.
Variant type: single nucleotide variant.
Coding change: c.1797A>G on transcript NM_024894.4 (MANE Select); coding-DNA position 1797, A replaced by G.
Protein change: p.Glu599=; no amino-acid change (glutamic acid 599 retained).
Molecular consequence: synonymous variant. On other transcripts: non-coding transcript variant (1).
Genome position (GRCh38, 1-based): chr2:10,589,090, T>C on the plus strand (A>G on the coding strand, the complement: NOL10 is on the minus strand). VCF-style: chr2-10589090-T-C. GRCh37 (hg19) VCF-style: chr2-10729216-T-C.
Other names: c.1719A>G, p.Glu573= (NM_001261392.2); c.1647A>G, p.Glu549= (NM_001261394.2).
Identifiers: ClinVar variation 2650677 (VCV002650677.24), dbSNP rs144219590, ClinGen allele CA1527223.

ClinVar aggregate classification (germline): Likely benign (1 of 4 stars; one submission).

Allele frequency attached by ClinVar (database versions not stated): gnomAD 0.00042; gnomAD exomes 0.00046; ExAC 0.00052; TOPMed 0.00054; ESP Exome Variant Server 0.00062.
gnomAD v4.1: 771 of 1,613,936 alleles (0.048%); highest among the groups gnomAD compares: Non-Finnish European, 0.035%; 4 homozygotes.

Submission:

CeGaT Center for Human Genetics Tuebingen
Classification: Likely benign. Last evaluated: 2022-11-01. Review status: criteria provided, single submitter. Criteria: CeGaT Center For Human Genetics Tuebingen Variant Classification Criteria Version 2. Collection method: clinical testing. Allele origin: germline. Affected: yes. Observed: 1 variant allele.
Comment: NOL10: BP4, BP7